The following is an entry in ClinVar:

ClinVar aggregate classification (germline): Uncertain significance (1 of 4 stars; one submission).

Submission:

Labcorp Genetics (formerly Invitae), Labcorp
Classification: Uncertain significance. Last evaluated: 2024-02-08. Review status: criteria provided, single submitter. Criteria: Invitae Variant Classification Sherloc (09022015). Collection method: clinical testing. Allele origin: germline.
Comment: This sequence change falls in intron 35 of the POLE gene. It does not directly change the encoded amino acid sequence of the POLE protein. This variant is not present in population databases (gnomAD no frequency). This variant has not been reported in the literature in individuals affected with POLE-related conditions. Algorithms developed to predict the effect of sequence changes on RNA splicing suggest that this variant may disrupt the consensus splice site. In summary, the available evidence is currently insufficient to determine the role of this variant in disease. Therefore, it has been classified as a Variant of Uncertain Significance.

NM_006231.4(POLE):c.4552-18_4552-17insGTTGGTCTAG

Gene: POLE (DNA polymerase epsilon, catalytic subunit; minus strand). Cytogenetic location: 12q24.33.
Variant type: Insertion.
Coding change: c.4552-18_4552-17insGTTGGTCTAG on transcript NM_006231.4 (MANE Select); 18 bases into the intron before coding-DNA position 4552 through 17 bases into the intron before coding-DNA position 4552, GTTGGTCTAG inserted.
Molecular consequence: intron variant.
Genome position: GRCh38 VCF-style: chr12-132643013-C-CACCTAGACCA. GRCh37 (hg19) VCF-style: chr12-133219599-C-CACCTAGACCA.
Identifiers: ClinVar variation 3697062 (VCV003697062.2).